The following is an entry in ClinVar:

NM_000202.8(IDS):c.1508T>A (p.Val503Asp)

Gene: IDS (iduronate 2-sulfatase; minus strand). Cytogenetic location: Xq28.
Variant type: single nucleotide variant.
Coding change: c.1508T>A on transcript NM_000202.8 (MANE Select); coding-DNA position 1508, T replaced by A.
Protein change: p.Val503Asp; replaces valine 503 with aspartic acid.
Molecular consequence: missense variant.
Genome position (GRCh38, 1-based): chrX:149,482,891, A>T on the plus strand (T>A on the coding strand, the complement: IDS is on the minus strand). VCF-style: chrX-149482891-A-T. GRCh37 (hg19) VCF-style: chrX-148564422-A-T.
Other names: c.1238T>A, p.Val413Asp (NM_001166550.4); short protein forms V503D, V413D.
Identifiers: ClinVar variation 92616 (VCV000092616.12), dbSNP rs398123248, ClinGen allele CA220492.

ClinVar aggregate classification (germline): Pathogenic/Likely pathogenic. Review status: criteria provided, multiple submitters, no conflicts (2 of 4 stars). 3 submissions from 3 submitters: Pathogenic (1); Likely pathogenic (2). Last evaluated 2024-06-07.

Conditions:
Mucopolysaccharidosis, MPS-II (MPS2). Also called: Mucopolysaccharidosis type 2; Mucopolysaccharidosis with skin involvement; IDS deficiency; Sulfoiduronate sulfatase deficiency; SIDS deficiency; Attenuated MPS (subtype; formerly known as mild MPS II). Identifiers: Orphanet 580, Orphanet 79388, MedGen C0026705, MONDO:0010674, OMIM 309900.

Submissions (3):

Laboratory of Diagnosis and Therapy of Lysosomal Disorders, University of Padova
Classification: Likely pathogenic for Mucopolysaccharidosis, MPS-II. Last evaluated: 2024-06-07. Review status: criteria provided, single submitter. Criteria: ACMG Guidelines, 2015. Collection method: literature only. Allele origin: germline. Affected: yes. Observed: 1 variant allele.
Comment: Absent from controls (or at low frequency) in gnomAD database (PM2_Moderate), Missense variant in a gene with a low rate of benign missense variation (PP2_Supporting), Multiple lines of computational evidence support a deleterious effect (PP3_Supporting), Patient’s phenotype or family history highly specific for the disease (PP4_Moderate)

Classification method: ACMG Guidelines [PMID:25741868] with modifications

Labcorp Genetics (formerly Invitae), Labcorp
Classification: Pathogenic for Mucopolysaccharidosis, MPS-II. Last evaluated: 2023-10-13. Review status: criteria provided, single submitter. Criteria: Invitae Variant Classification Sherloc (09022015). Collection method: clinical testing. Allele origin: germline.
Comment: This sequence change replaces valine, which is neutral and non-polar, with aspartic acid, which is acidic and polar, at codon 503 of the IDS protein (p.Val503Asp). This variant is not present in population databases (gnomAD no frequency). This missense change has been observed in individual(s) with mucopolysaccharidosis type II (PMID: 24125893; Invitae). In at least one individual the variant was observed to be de novo. ClinVar contains an entry for this variant (Variation ID: 92616). Advanced modeling of protein sequence and biophysical properties (such as structural, functional, and spatial information, amino acid conservation, physicochemical variation, residue mobility, and thermodynamic stability) has been performed at Invitae for this missense variant, however the output from this modeling did not meet the statistical confidence thresholds required to predict the impact of this variant on IDS protein function. For these reasons, this variant has been classified as Pathogenic.

Eurofins Ntd Llc (ga)
Classification: Likely pathogenic. Last evaluated: 2012-10-11. Review status: criteria provided, single submitter. Criteria: EGL Classification Definitions. Collection method: clinical testing. Allele origin: germline. Observed: 3 variant alleles, 1 heterozygote, 3 hemizygotes.

Literature cited by the submitters: PubMed 24125893 (cited by Laboratory of Diagnosis and Therapy of Lysosomal Disorders, University of Padova and Labcorp Genetics (formerly Invitae), Labcorp).